The following is an entry in ClinVar:

ClinVar aggregate classification (germline): Uncertain significance (1 of 4 stars; one submission).

Conditions:
Spermatogenic failure 18. Identifiers: MedGen C4539783, MONDO:0054615, OMIM 617576.
Ciliary dyskinesia, primary, 37 (CILD37). Also called: CILIARY DYSKINESIA, PRIMARY, 37, WITH OR WITHOUT SITUS INVERSUS. Identifiers: MedGen C4539798, MONDO:0033204, OMIM 617577.

gnomAD v4.1: 5 of 1,613,798 alleles (0.00031%); highest among the groups gnomAD compares: Non-Finnish European, 0.00042%; no homozygotes.

Submission:

Labcorp Genetics (formerly Invitae), Labcorp
Classification: Uncertain significance for Ciliary dyskinesia, primary, 37; Spermatogenic failure 18. Last evaluated: 2024-01-24. Review status: criteria provided, single submitter. Criteria: Invitae Variant Classification Sherloc (09022015). Collection method: clinical testing. Allele origin: germline.
Comment: This sequence change replaces isoleucine, which is neutral and non-polar, with phenylalanine, which is neutral and non-polar, at codon 1495 of the DNAH1 protein (p.Ile1495Phe). This variant is not present in population databases (gnomAD no frequency). This variant has not been reported in the literature in individuals affected with DNAH1-related conditions. Advanced modeling of protein sequence and biophysical properties (such as structural, functional, and spatial information, amino acid conservation, physicochemical variation, residue mobility, and thermodynamic stability) performed at Invitae indicates that this missense variant is expected to disrupt DNAH1 protein function with a positive predictive value of 80%. In summary, the available evidence is currently insufficient to determine the role of this variant in disease. Therefore, it has been classified as a Variant of Uncertain Significance.

NM_015512.5(DNAH1):c.4483A>T (p.Ile1495Phe)

Gene: DNAH1 (dynein axonemal heavy chain 1; plus strand). Cytogenetic location: 3p21.1.
Variant type: single nucleotide variant.
Coding change: c.4483A>T on transcript NM_015512.5 (MANE Select); coding-DNA position 4483, A replaced by T.
Protein change: p.Ile1495Phe; replaces isoleucine 1495 with phenylalanine.
Molecular consequence: missense variant.
Genome position (GRCh38, 1-based): chr3:52,359,991, A>T. VCF-style: chr3-52359991-A-T. GRCh37 (hg19) VCF-style: chr3-52394007-A-T.
Other names: short protein forms I1495F.
Identifiers: ClinVar variation 3748100 (VCV003748100.2).
Genomic context (GRCh38, chr3:52,359,991, plus strand): 5'-GCCCTTGTGCGGGGGAAGCTGTCCCGCATGCAGCGGGCAGTGCTGTCAGCGCTAATCGTC[A>T]TTGAGGTCCATGCCAAGGACGTGGTGAGCAAGCTAATCCAGGAGAACGTGGTCAGCGTGA-3'
Protein context (NP_056327.4, residues 1485-1505): QRAVLSALIV[Ile1495Phe]EVHAKDVVSK